The following is an entry in ClinVar:

NM_000089.4(COL1A2):c.1521C>T (p.Asn507=)

Gene: COL1A2 (collagen type I alpha 2 chain; plus strand). Cytogenetic location: 7q21.3.
Variant type: single nucleotide variant.
Coding change: c.1521C>T on transcript NM_000089.4 (MANE Select); coding-DNA position 1521, C replaced by T.
Protein change: p.Asn507=; no amino-acid change (asparagine 507 retained).
Molecular consequence: synonymous variant.
Genome position (GRCh38, 1-based): chr7:94,413,100, C>T. VCF-style: chr7-94413100-C-T. GRCh37 (hg19) VCF-style: chr7-94042412-C-T.
Identifiers: ClinVar variation 682254 (VCV000682254.43), dbSNP rs747938841, ClinGen allele CA4347092.

ClinVar aggregate classification (germline): Likely benign. Review status: criteria provided, multiple submitters, no conflicts (2 of 4 stars). 7 submissions from 7 submitters: Likely benign (7). Last evaluated 2025-10-31.

Conditions:
Osteogenesis imperfecta type I (OI1). Also called: Osteogenesis imperfecta type 1; Classic Non-deforming Osteogenesis Imperfecta with Blue Sclerae; Lobstein's Disease; Lobstein disease; OI, TYPE I; OSTEOGENESIS IMPERFECTA TARDA. Identifiers: Orphanet 216796, Orphanet 666, MedGen C0023931, MONDO:0008146, OMIM 166200. Disease mechanism: loss of function.
Ehlers-Danlos syndrome, classic type, 1 (EDSCL1). Also called: Ehlers-Danlos syndrome, type 1; Ehlers-Danlos Syndrome, Classic Type, COL5A1-Related; EDS I; EHLERS-DANLOS SYNDROME, GRAVIS TYPE; EHLERS-DANLOS SYNDROME, SEVERE CLASSIC TYPE. Identifiers: MedGen C0268335, MONDO:0019567, OMIM 130000.
Cardiovascular phenotype. Identifiers: MedGen CN230736.
COL1A2-related disorder. Also called: COL1A2-Related Disorders; COL1A2-related condition.

Allele frequency attached by ClinVar (database versions not stated): gnomAD exomes 0.00002 and 0.00005; TOPMed 0.00003; ExAC 0.00004.
gnomAD v4.1: 50 of 1,614,014 alleles (0.0031%); highest among the groups gnomAD compares: Middle Eastern, 0.049%; 1 homozygote.

Submissions (7):

Labcorp Genetics (formerly Invitae), Labcorp
Classification: Likely benign for Osteogenesis imperfecta type I; Ehlers-Danlos syndrome, classic type, 1. Last evaluated: 2025-10-31. Review status: criteria provided, single submitter. Criteria: Invitae Variant Classification Sherloc (09022015). Collection method: clinical testing. Allele origin: germline.

PreventionGenetics, part of Exact Sciences
Classification: Likely benign for COL1A2-related condition. Last evaluated: 2024-12-04. Review status: criteria provided, single submitter. Criteria: ACMG Guidelines, 2015. Collection method: clinical testing. Allele origin: germline.
Comment: This variant is classified as likely benign based on ACMG/AMP sequence variant interpretation guidelines (Richards et al. 2015 PMID: 25741868, with internal and published modifications).

CeGaT Center for Human Genetics Tuebingen
Classification: Likely benign. Last evaluated: 2023-11-01. Review status: criteria provided, single submitter. Criteria: CeGaT Center For Human Genetics Tuebingen Variant Classification Criteria Version 2. Collection method: clinical testing. Allele origin: germline. Affected: yes. Observed: 1 variant allele.
Comment: COL1A2: BP4, BP7

Ambry Genetics
Classification: Likely benign for Cardiovascular phenotype. Last evaluated: 2022-07-06. Review status: criteria provided, single submitter. Criteria: Ambry Variant Classification Scheme 2023. Collection method: clinical testing. Allele origin: germline.

ARUP Laboratories, Molecular Genetics and Genomics, ARUP Laboratories
Classification: Likely benign. Last evaluated: 2020-06-22. Review status: criteria provided, single submitter. Criteria: ARUP Molecular Germline Variant Investigation Process. Collection method: clinical testing. Allele origin: germline.

Athena Diagnostics
Classification: Likely benign. Last evaluated: 2018-09-30. Review status: criteria provided, single submitter. Criteria: Athena Diagnostics Criteria. Collection method: clinical testing. Allele origin: germline.

GeneDx
Classification: Likely benign. Last evaluated: 2018-04-20. Review status: criteria provided, single submitter. Criteria: GeneDx Variant Classification (06012015). Collection method: clinical testing. Allele origin: germline. Affected: yes.
Comment: This variant is considered likely benign or benign based on one or more of the following criteria: it is a conservative change, it occurs at a poorly conserved position in the protein, it is predicted to be benign by multiple in silico algorithms, and/or has population frequency not consistent with disease.